The following is an entry in ClinVar:

ClinVar aggregate classification (germline): Pathogenic (0 of 4 stars; one submission).

Submission:

Quest Diagnostics Nichols Institute San Juan Capistrano
Classification: Pathogenic. Last evaluated: 2021-05-01. Review status: no assertion criteria provided. Collection method: clinical testing. Allele origin: germline.
Comment: The 7q11.23 deletion involves a number of genes, including ELN and LIMK1, and is expected to cause phenotypic and developmental abnormalities consistent with Williams-Beuren syndrome (OMIM 194050). Typical features include congenital heart defects, mainly supravalvular aortic stenosis, mild to moderate intellectual disability, distinctive facial features, and unique behavioral characteristics. See GeneReviews for additional information and references.

GRCh37/hg19 7q11.23(chr7:72718123-74141784)x1

Genes: LIMK1 (LIM domain kinase 1; plus strand), RFC2 (replication factor C subunit 2; minus strand), CLDN4 (claudin 4; plus strand), MLXIPL (MLX interacting protein like; minus strand), METTL27 (methyltransferase like 27; minus strand) and 22 more. Cytogenetic location: 7q11.23.
Variant type: copy number loss.
Change: copy number 1 (one copy instead of two) of chr7:72,718,123-74,141,784 (1.42 Mb, GRCh37 coordinates, 1-based), cytogenetic band 7q11.23.
Identifiers: ClinVar variation 563396 (VCV000563396.4).